The following is an entry in ClinVar:

NM_024675.4(PALB2):c.1048C>G (p.Gln350Glu)

Gene: PALB2 (partner and localizer of BRCA2; minus strand). Cytogenetic location: 16p12.2.
Variant type: single nucleotide variant.
Coding change: c.1048C>G on transcript NM_024675.4 (MANE Select); coding-DNA position 1048, C replaced by G.
Protein change: p.Gln350Glu; replaces glutamine 350 with glutamic acid.
Molecular consequence: missense variant.
Genome position (GRCh38, 1-based): chr16:23,635,498, G>C on the plus strand (C>G on the coding strand, the complement: PALB2 is on the minus strand). VCF-style: chr16-23635498-G-C. GRCh37 (hg19) VCF-style: chr16-23646819-G-C.
Other names: short protein forms Q350E.
Identifiers: ClinVar variation 920408 (VCV000920408.12), dbSNP rs1060502788, ClinGen allele CA395134168.
Genomic context (GRCh38, chr16:23,635,498, plus strand): 5'-GAAGATTTTCATTCCTGCCATCAAGAGTGTCACTGGGAGATTTTAAAGATTTCTCTGTTT[G>C]ATTTTGTTCTTTTAAGTTTTGGTTTTCATTTGCTGGTAAGTTATTGTAGGTGAGTTCATT-3'
Protein context (NP_078951.2, residues 340-360): NENQNLKEQN[Gln350Glu]TEKSLKSPSD

ClinVar aggregate classification (germline): Uncertain significance. Review status: criteria provided, multiple submitters, no conflicts (2 of 4 stars). 4 submissions from 4 submitters: Uncertain significance (4). Last evaluated 2024-02-26.

Conditions:
Hereditary cancer-predisposing syndrome. Also called: Neoplastic Syndromes, Hereditary; Tumor predisposition; Hereditary Cancer Syndrome; Hereditary neoplastic syndrome. Identifiers: Orphanet 140162, MedGen C0027672, MeSH D009386, MONDO:0015356.
Familial cancer of breast. Also called: BREAST CANCER, FAMILIAL; Hereditary breast cancer; hereditary breast carcinoma. Identifiers: Orphanet 227535, MedGen C0346153, MONDO:0016419, OMIM 114480. Disease mechanism: loss of function.

Allele frequency attached by ClinVar (database versions not stated): gnomAD exomes below 0.00001.
gnomAD v4.1: 1 of 1,613,946 alleles (0.000062%); highest among the groups gnomAD compares: Non-Finnish European, 0.000085%; no homozygotes.

Submissions (4):

Labcorp Genetics (formerly Invitae), Labcorp
Classification: Uncertain significance for Familial cancer of breast. Last evaluated: 2024-02-26. Review status: criteria provided, single submitter. Criteria: Invitae Variant Classification Sherloc (09022015). Collection method: clinical testing. Allele origin: germline.
Comment: This sequence change replaces glutamine, which is neutral and polar, with glutamic acid, which is acidic and polar, at codon 350 of the PALB2 protein (p.Gln350Glu). This variant is not present in population databases (gnomAD no frequency). This variant has not been reported in the literature in individuals affected with PALB2-related conditions. ClinVar contains an entry for this variant (Variation ID: 920408). Advanced modeling of protein sequence and biophysical properties (such as structural, functional, and spatial information, amino acid conservation, physicochemical variation, residue mobility, and thermodynamic stability) performed at Invitae indicates that this missense variant is not expected to disrupt PALB2 protein function with a negative predictive value of 80%. In summary, the available evidence is currently insufficient to determine the role of this variant in disease. Therefore, it has been classified as a Variant of Uncertain Significance.

Quest Diagnostics Nichols Institute San Juan Capistrano
Classification: Uncertain significance. Last evaluated: 2023-06-28. Review status: criteria provided, single submitter. Criteria: Quest Diagnostics criteria. Collection method: clinical testing. Allele origin: unknown.
Comment: This variant has not been reported in the published literature. It also has not been reported in large, multi-ethnic general populations (Genome Aggregation Database). Analysis of this variant using bioinformatics tools for the prediction of the effect of amino acid changes on protein structure and function yielded predictions that this variant is benign. Based on the available information, we are unable to determine the clinical significance of this variant.

Ambry Genetics
Classification: Uncertain significance for Hereditary cancer-predisposing syndrome. Last evaluated: 2020-08-10. Review status: criteria provided, single submitter. Criteria: Ambry Variant Classification Scheme 2023. Collection method: clinical testing. Allele origin: germline.
Comment: The p.Q350E variant (also known as c.1048C>G), located in coding exon 4 of the PALB2 gene, results from a C to G substitution at nucleotide position 1048. The glutamine at codon 350 is replaced by glutamic acid, an amino acid with highly similar properties. This amino acid position is poorly conserved in available vertebrate species. In addition, this alteration is predicted to be tolerated by in silico analysis. Since supporting evidence is limited at this time, the clinical significance of this alteration remains unclear.

Color Diagnostics, LLC DBA Color Health
Classification: Uncertain significance for Hereditary cancer-predisposing syndrome. Last evaluated: 2018-11-15. Review status: criteria provided, single submitter. Criteria: ACMG Guidelines, 2015. Collection method: clinical testing. Allele origin: germline.